The following is an entry in ClinVar:

NM_032634.4(PIGO):c.974C>G (p.Pro325Arg)

Gene: PIGO (phosphatidylinositol glycan anchor biosynthesis class O; minus strand). Cytogenetic location: 9p13.3.
Variant type: single nucleotide variant.
Coding change: c.974C>G on transcript NM_032634.4 (MANE Select); coding-DNA position 974, C replaced by G.
Protein change: p.Pro325Arg; replaces proline 325 with arginine.
Molecular consequence: missense variant.
Genome position (GRCh38, 1-based): chr9:35,093,175, G>C on the plus strand (C>G on the coding strand, the complement: PIGO is on the minus strand). VCF-style: chr9-35093175-G-C. GRCh37 (hg19) VCF-style: chr9-35093172-G-C.
Other names: c.974C>G, p.Pro325Arg (NM_001201484.2, NM_152850.4); short protein forms P325R.
Identifiers: ClinVar variation 570823 (VCV000570823.8), dbSNP rs1364028691, ClinGen allele CA373323079.

ClinVar aggregate classification (germline): Uncertain significance (1 of 4 stars; one submission).

Conditions:
Hyperphosphatasia with impaired intellectual development syndrome 2. Also called: Hyperphosphatasia with intellectual disability syndrome 2; GLYCOSYLPHOSPHATIDYLINOSITOL BIOSYNTHESIS DEFECT 6. Identifiers: Orphanet 247262, MedGen C3553637, MONDO:0013882, OMIM 614749.

Submission:

Labcorp Genetics (formerly Invitae), Labcorp
Classification: Uncertain significance for Hyperphosphatasia with impaired intellectual development syndrome 2. Last evaluated: 2024-02-17. Review status: criteria provided, single submitter. Criteria: Invitae Variant Classification Sherloc (09022015). Collection method: clinical testing. Allele origin: germline.
Comment: This sequence change replaces proline, which is neutral and non-polar, with arginine, which is basic and polar, at codon 325 of the PIGO protein (p.Pro325Arg). This variant is not present in population databases (gnomAD no frequency). This variant has not been reported in the literature in individuals affected with PIGO-related conditions. ClinVar contains an entry for this variant (Variation ID: 570823). Advanced modeling of protein sequence and biophysical properties (such as structural, functional, and spatial information, amino acid conservation, physicochemical variation, residue mobility, and thermodynamic stability) performed at Invitae indicates that this missense variant is expected to disrupt PIGO protein function with a positive predictive value of 80%. In summary, the available evidence is currently insufficient to determine the role of this variant in disease. Therefore, it has been classified as a Variant of Uncertain Significance.